The following is an entry in ClinVar:

NM_003673.4(TCAP):c.460C>A (p.Arg154Ser)

Gene: TCAP (titin-cap; plus strand). Cytogenetic location: 17q12.
Variant type: single nucleotide variant.
Coding change: c.460C>A on transcript NM_003673.4 (MANE Select); coding-DNA position 460, C replaced by A.
Protein change: p.Arg154Ser; replaces arginine 154 with serine.
Molecular consequence: missense variant.
Genome position (GRCh38, 1-based): chr17:39,666,065, C>A. VCF-style: chr17-39666065-C-A. GRCh37 (hg19) VCF-style: chr17-37822318-C-A.
Other names: c.460C>A (NM_003673.3); short protein forms R154S.
Identifiers: ClinVar variation 502726 (VCV000502726.8), dbSNP rs755539784, ClinGen allele CA399306018.

ClinVar aggregate classification (germline): Uncertain significance. Review status: criteria provided, multiple submitters, no conflicts (2 of 4 stars). 3 submissions from 3 submitters: Uncertain significance (3). Last evaluated 2024-02-21.

Conditions:
Cardiovascular phenotype. Identifiers: MedGen CN230736.

Submissions (3):

GeneDx
Classification: Uncertain significance. Last evaluated: 2024-02-21. Review status: criteria provided, single submitter. Criteria: GeneDx Variant Classification Process June 2021. Collection method: clinical testing. Allele origin: germline. Affected: yes.
Comment: Not observed at significant frequency in large population cohorts (gnomAD); In silico analysis supports that this missense variant does not alter protein structure/function; Has not been previously published as pathogenic or benign to our knowledge

Ambry Genetics
Classification: Uncertain significance for Cardiovascular phenotype. Last evaluated: 2023-02-15. Review status: criteria provided, single submitter. Criteria: Ambry Variant Classification Scheme 2023. Collection method: clinical testing. Allele origin: germline.

Eurofins Ntd Llc (ga)
Classification: Uncertain significance. Last evaluated: 2017-06-27. Review status: criteria provided, single submitter. Criteria: EGL Classification Definitions 2015. Collection method: clinical testing. Allele origin: germline. Observed: 1 variant allele, 1 heterozygote.